The following is an entry in ClinVar:

NM_020778.5(ALPK3):c.4493T>C (p.Val1498Ala)

Gene: ALPK3 (alpha kinase 3; plus strand). Cytogenetic location: 15q25.3.
Variant type: single nucleotide variant.
Coding change: c.4493T>C on transcript NM_020778.5 (MANE Select); coding-DNA position 4493, T replaced by C.
Protein change: p.Val1498Ala; replaces valine 1498 with alanine.
Molecular consequence: missense variant.
Genome position (GRCh38, 1-based): chr15:84,863,634, T>C. VCF-style: chr15-84863634-T-C. GRCh37 (hg19) VCF-style: chr15-85406865-T-C.
Other names: short protein forms V1498A.
Identifiers: ClinVar variation 3533151 (VCV003533151.1).

ClinVar aggregate classification (germline): Uncertain significance (1 of 4 stars; one submission).

Conditions:
Cardiovascular phenotype. Identifiers: MedGen CN230736.

Submission:

Ambry Genetics
Classification: Uncertain significance for Cardiovascular phenotype. Last evaluated: 2024-09-17. Review status: criteria provided, single submitter. Criteria: Ambry Variant Classification Scheme 2023. Collection method: clinical testing. Allele origin: germline.
Comment: The p.V1700A variant (also known as c.5099T>C), located in coding exon 11 of the ALPK3 gene, results from a T to C substitution at nucleotide position 5099. The valine at codon 1700 is replaced by alanine, an amino acid with similar properties. This amino acid position is conserved. In addition, this alteration is predicted to be tolerated by in silico analysis. Based on the available evidence, the clinical significance of this variant remains unclear.